The following is an entry in ClinVar:

ClinVar aggregate classification (germline): Benign. Review status: criteria provided, multiple submitters, no conflicts (2 of 4 stars). 2 submissions from 2 submitters: Benign (2). Last evaluated 2018-06-14.

Allele frequency attached by ClinVar (database versions not stated): gnomAD 0.06885 and 0.07070; TOPMed 0.07163; 1000 Genomes Project 0.07748; 1000 Genomes Project 30x 0.07776.
gnomAD v4.1: 54,446 of 1,610,846 alleles (3.4%); highest among the groups gnomAD compares: African/African-American, 18%; 1,989 homozygotes.

Submissions (2):

GeneDx
Classification: Benign. Last evaluated: 2018-06-14. Review status: criteria provided, single submitter. Criteria: GeneDx Variant Classification (06012015). Collection method: clinical testing. Allele origin: germline. Affected: yes.
Comment: This variant is considered likely benign or benign based on one or more of the following criteria: it is a conservative change, it occurs at a poorly conserved position in the protein, it is predicted to be benign by multiple in silico algorithms, and/or has population frequency not consistent with disease.

Breakthrough Genomics
Classification: Benign. Review status: criteria provided, single submitter. Criteria: ACMG Guidelines, 2015. Collection method: not provided. Allele origin: germline. Inheritance: Autosomal recessive inheritance. Affected: yes.

NM_170707.4(LMNA):c.639+56G>T

Gene: LMNA (lamin A/C; plus strand). Cytogenetic location: 1q22.
Variant type: single nucleotide variant.
Coding change: c.639+56G>T on transcript NM_170707.4 (MANE Select); 56 bases into the intron after coding-DNA position 639, G replaced by T.
Molecular consequence: intron variant.
Genome position (GRCh38, 1-based): chr1:156,134,584, G>T. VCF-style: chr1-156134584-G-T. GRCh37 (hg19) VCF-style: chr1-156104375-G-T.
Other names: c.639+56G>T (NM_001282625.2, NM_001282626.2, NM_170708.4 and 1 more transcripts); c.303+56G>T (NM_001257374.3); c.396+56G>T (NM_001282624.2).
Identifiers: ClinVar variation 675371 (VCV000675371.2), dbSNP rs11264442, ClinGen allele CA10885326.